The following is an entry in ClinVar:

NM_002354.3(EPCAM):c.368G>T (p.Gly123Val)

Gene: EPCAM (epithelial cell adhesion molecule; plus strand). Cytogenetic location: 2p21.
Variant type: single nucleotide variant.
Coding change: c.368G>T on transcript NM_002354.3 (MANE Select); coding-DNA position 368, G replaced by T.
Protein change: p.Gly123Val; replaces glycine 123 with valine.
Molecular consequence: missense variant.
Genome position (GRCh38, 1-based): chr2:47,373,991, G>T. VCF-style: chr2-47373991-G-T. GRCh37 (hg19) VCF-style: chr2-47601130-G-T.
Other names: short protein forms G123V.
Identifiers: ClinVar variation 4249681 (VCV004249681.1).
Genomic context (GRCh38, chr2:47,373,991, plus strand): 5'-GGCTCTTTAAGGCCAAGCAGTGCAACGGCACCTCCATGTGCTGGTGTGTGAACACTGCTG[G>T]GGTCAGAAGAACAGACAAGGACACTGAAATAACCTGCTCTGAGCGAGTGAGAACCTAGTG-3'
Protein context (NP_002345.2, residues 113-133): TSMCWCVNTA[Gly123Val]VRRTDKDTEI

ClinVar aggregate classification (germline): Uncertain significance (1 of 4 stars; one submission).

Conditions:
Hereditary cancer-predisposing syndrome. Also called: Hereditary Cancer Syndrome; Hereditary neoplastic syndrome; Neoplastic Syndromes, Hereditary; Tumor predisposition. Identifiers: Orphanet 140162, MedGen C0027672, MeSH D009386, MONDO:0015356.

Submission:

Ambry Genetics
Classification: Uncertain significance for Hereditary cancer-predisposing syndrome. Last evaluated: 2025-07-05. Review status: criteria provided, single submitter. Criteria: Ambry Variant Classification Scheme 2023. Collection method: clinical testing. Allele origin: germline.
Comment: The p.G123V variant (also known as c.368G>T), located in coding exon 3 of the EPCAM gene, results from a G to T substitution at nucleotide position 368. The glycine at codon 123 is replaced by valine, an amino acid with dissimilar properties. This amino acid position is conserved. In addition, this alteration is predicted to be deleterious by in silico analysis. Based on the available evidence, the clinical significance of this variant remains unclear.